The following is an entry in ClinVar:

ClinVar aggregate classification (germline): Uncertain significance (1 of 4 stars; one submission).

Allele frequency attached by ClinVar (database versions not stated): gnomAD exomes below 0.00001.
gnomAD v4.1: 2 of 1,604,502 alleles (0.00012%); highest among the groups gnomAD compares: African/African-American, 0.0013%; no homozygotes.

Submission:

Labcorp Genetics (formerly Invitae), Labcorp
Classification: Uncertain significance. Last evaluated: 2021-12-12. Review status: criteria provided, single submitter. Criteria: Invitae Variant Classification Sherloc (09022015). Collection method: clinical testing. Allele origin: germline.
Comment: This sequence change replaces leucine, which is neutral and non-polar, with phenylalanine, which is neutral and non-polar, at codon 1529 of the LAMC3 protein (p.Leu1529Phe). This variant is present in population databases (no rsID available, gnomAD 0.001%). This variant has not been reported in the literature in individuals affected with LAMC3-related conditions. Algorithms developed to predict the effect of missense changes on protein structure and function are either unavailable or do not agree on the potential impact of this missense change (SIFT: "Deleterious"; PolyPhen-2: "Probably Damaging"; Align-GVGD: "Class C0"). In summary, the available evidence is currently insufficient to determine the role of this variant in disease. Therefore, it has been classified as a Variant of Uncertain Significance.

NM_006059.4(LAMC3):c.4585C>T (p.Leu1529Phe)

Gene: LAMC3 (laminin subunit gamma 3; plus strand). Cytogenetic location: 9q34.12.
Variant type: single nucleotide variant.
Coding change: c.4585C>T on transcript NM_006059.4 (MANE Select); coding-DNA position 4585, C replaced by T.
Protein change: p.Leu1529Phe; replaces leucine 1529 with phenylalanine.
Molecular consequence: missense variant.
Genome position (GRCh38, 1-based): chr9:131,091,644, C>T. VCF-style: chr9-131091644-C-T. GRCh37 (hg19) VCF-style: chr9-133967031-C-T.
Other names: short protein forms L1529F.
Identifiers: ClinVar variation 1428589 (VCV001428589.3), dbSNP rs1332772679, ClinGen allele CA375267169.